The following is an entry in ClinVar:

ClinVar aggregate classification (germline): Uncertain significance. Review status: criteria provided, multiple submitters, no conflicts (2 of 4 stars). 2 submissions from 2 submitters: Uncertain significance (2). Last evaluated 2024-08-28.

Conditions:
Cutis laxa, autosomal recessive, type 1B (ARCL1B). Also called: CUTIS LAXA, AUTOSOMAL RECESSIVE, TYPE IB; EFEMP2-Related Cutis Laxa. Identifiers: Orphanet 90349, MedGen C3280798, MONDO:0013754, OMIM 614437. Disease mechanism: loss of function.
Cardiovascular phenotype. Identifiers: MedGen CN230736.

Allele frequency attached by ClinVar (database versions not stated): gnomAD exomes below 0.00001 and 0.00001.
gnomAD v4.1: 2 of 1,613,830 alleles (0.00012%); highest among the groups gnomAD compares: Non-Finnish European, 0.00017%; no homozygotes.

Submissions (2):

Ambry Genetics
Classification: Uncertain significance for Cardiovascular phenotype. Last evaluated: 2024-08-28. Review status: criteria provided, single submitter. Criteria: Ambry Variant Classification Scheme 2023. Collection method: clinical testing. Allele origin: germline.

Labcorp Genetics (formerly Invitae), Labcorp
Classification: Uncertain significance for Cutis laxa, autosomal recessive, type 1B. Last evaluated: 2019-12-27. Review status: criteria provided, single submitter. Criteria: Invitae Variant Classification Sherloc (09022015). Collection method: clinical testing. Allele origin: germline.
Comment: This sequence change replaces proline with serine at codon 181 of the EFEMP2 protein (p.Pro181Ser). The proline residue is highly conserved and there is a moderate physicochemical difference between proline and serine. In summary, the available evidence is currently insufficient to determine the role of this variant in disease. Therefore, it has been classified as a Variant of Uncertain Significance. Algorithms developed to predict the effect of missense changes on protein structure and function (SIFT, PolyPhen-2, Align-GVGD) all suggest that this variant is likely to be disruptive, but these predictions have not been confirmed by published functional studies and their clinical significance is uncertain. This variant has not been reported in the literature in individuals with EFEMP2-related conditions. This variant is not present in population databases (ExAC no frequency).

NM_016938.5(EFEMP2):c.541C>T (p.Pro181Ser)

Gene: EFEMP2 (EGF-like fibulin extracellular matrix protein 2; minus strand). Cytogenetic location: 11q13.1.
Variant type: single nucleotide variant.
Coding change: c.541C>T on transcript NM_016938.5 (MANE Select); coding-DNA position 541, C replaced by T.
Protein change: p.Pro181Ser; replaces proline 181 with serine.
Molecular consequence: missense variant. On other transcripts: non-coding transcript variant (1).
Genome position (GRCh38, 1-based): chr11:65,870,187, G>A on the plus strand (C>T on the coding strand, the complement: EFEMP2 is on the minus strand). VCF-style: chr11-65870187-G-A. GRCh37 (hg19) VCF-style: chr11-65637658-G-A.
Other names: short protein forms P181S.
Identifiers: ClinVar variation 839774 (VCV000839774.8), dbSNP rs1351534292, ClinGen allele CA381360921.